The following is an entry in ClinVar:

NM_138420.4(AHNAK2):c.11787T>G (p.Val3929=)

Gene: AHNAK2 (AHNAK nucleoprotein 2; minus strand). Cytogenetic location: 14q32.33.
Variant type: single nucleotide variant.
Coding change: c.11787T>G on transcript NM_138420.4 (MANE Select); coding-DNA position 11787, T replaced by G.
Protein change: p.Val3929=; no amino-acid change (valine 3929 retained).
Molecular consequence: synonymous variant.
Genome position (GRCh38, 1-based): chr14:104,943,664, A>C on the plus strand (T>G on the coding strand, the complement: AHNAK2 is on the minus strand). VCF-style: chr14-104943664-A-C. GRCh37 (hg19) VCF-style: chr14-105410001-A-C.
Other names: c.11487T>G, p.Val3829= (NM_001350929.2).
Identifiers: ClinVar variation 2644650 (VCV002644650.24), dbSNP rs767306797, ClinGen allele CA7378611.

ClinVar aggregate classification (germline): Likely benign (1 of 4 stars; one submission).

Allele frequency attached by ClinVar (database versions not stated): 1000 Genomes Project 30x 0.00234.

Submission:

CeGaT Center for Human Genetics Tuebingen
Classification: Likely benign. Last evaluated: 2022-04-01. Review status: criteria provided, single submitter. Criteria: CeGaT Center For Human Genetics Tuebingen Variant Classification Criteria Version 2. Collection method: clinical testing. Allele origin: germline. Affected: yes. Observed: 1 variant allele.
Comment: AHNAK2: BP4, BP7